The following is an entry in ClinVar:

ClinVar aggregate classification (germline): Uncertain significance. Review status: criteria provided, multiple submitters, no conflicts (2 of 4 stars). 2 submissions from 2 submitters: Uncertain significance (2). Last evaluated 2023-12-13.

Conditions:
Malignant hyperthermia, susceptibility to, 5 (MHS5). Also called: CACNA1S-Related Malignant Hyperthermia Susceptibility. Identifiers: Orphanet 423, MedGen C1866077, MONDO:0011163, OMIM 601887.

Allele frequency attached by ClinVar (database versions not stated): gnomAD 0.00001; gnomAD exomes 0.00001.
gnomAD v4.1: 5 of 1,613,150 alleles (0.00031%); highest among the groups gnomAD compares: Non-Finnish European, 0.00042%; no homozygotes.

Submissions (2):

All of Us Research Program, National Institutes of Health
Classification: Uncertain significance for Malignant hyperthermia, susceptibility to, 5. Last evaluated: 2023-12-13. Review status: criteria provided, single submitter. Criteria: ACMG Guidelines, 2015. Collection method: clinical testing. Allele origin: germline. Inheritance: Autosomal dominant inheritance. Observed: 4 variant alleles, 4 heterozygotes.
Comment: This missense variant replaces phenylalanine with leucine at codon 922 of the CACNA1S protein. Computational prediction suggests that this variant may have deleterious impact on protein structure and function (internally defined REVEL score threshold >= 0.7, PMID: 27666373). To our knowledge, functional studies have not been reported for this variant. This variant has not been reported in individuals affected with CACNA1S-related disorders in the literature. This variant has been identified in 1/31374 chromosomes in the general population by the Genome Aggregation Database (gnomAD). The available evidence is insufficient to determine the role of this variant in disease conclusively. Therefore, this variant is classified as a Variant of Uncertain Significance.

This study involves interpretation of variants in research participants for the purpose of population health screening. Participant phenotype was not available at the time of variant classification. Additional details can be found in publication PMID: 35346344, PMCID: PMC8962531

Color Diagnostics, LLC DBA Color Health
Classification: Uncertain significance for Malignant hyperthermia, susceptibility to, 5. Last evaluated: 2023-11-07. Review status: criteria provided, single submitter. Criteria: ACMG Guidelines, 2015. Collection method: clinical testing. Allele origin: germline.
Comment: This missense variant replaces phenylalanine with leucine at codon 922 of the CACNA1S protein. Computational prediction suggests that this variant may have deleterious impact on protein structure and function. To our knowledge, functional studies have not been reported for this variant. This variant has not been reported in individuals affected with CACNA1S-related disorders in the literature. This variant has been identified in 1/31374 chromosomes in the general population by the Genome Aggregation Database (gnomAD). The available evidence is insufficient to determine the role of this variant in disease conclusively. Therefore, this variant is classified as a Variant of Uncertain Significance.

NM_000069.3(CACNA1S):c.2764T>C (p.Phe922Leu)

Gene: CACNA1S (calcium voltage-gated channel subunit alpha1 S; minus strand). Cytogenetic location: 1q32.1.
Variant type: single nucleotide variant.
Coding change: c.2764T>C on transcript NM_000069.3 (MANE Select); coding-DNA position 2764, T replaced by C.
Protein change: p.Phe922Leu; replaces phenylalanine 922 with leucine.
Molecular consequence: missense variant.
Genome position (GRCh38, 1-based): chr1:201,065,927, A>G on the plus strand (T>C on the coding strand, the complement: CACNA1S is on the minus strand). VCF-style: chr1-201065927-A-G. GRCh37 (hg19) VCF-style: chr1-201035055-A-G.
Other names: short protein forms F922L.
Identifiers: ClinVar variation 3071569 (VCV003071569.2), dbSNP rs1211786403, ClinGen allele CA344101777.